The following is an entry in ClinVar:

NM_006231.4(POLE):c.6796_6798delinsAGT (p.Gly2266Ser)

Gene: POLE (DNA polymerase epsilon, catalytic subunit; minus strand). Cytogenetic location: 12q24.33.
Variant type: Indel.
Coding change: c.6796_6798delinsAGT on transcript NM_006231.4 (MANE Select); coding-DNA positions 6796 to 6798, GGC replaced by AGT.
Protein change: p.Gly2266Ser; replaces glycine 2266 with serine.
Molecular consequence: missense variant.
Genome position (GRCh38, 1-based): chr12:132,624,760-132,624,762, GCC replaced by ACT on the plus strand (GGC replaced by AGT on the coding strand, the reverse complement: POLE is on the minus strand). VCF-style: chr12-132624760-GCC-ACT. GRCh37 (hg19) VCF-style: chr12-133201346-GCC-ACT.
Other names: short protein forms G2266S.
Identifiers: ClinVar variation 3717527 (VCV003717527.2).
Genomic context (GRCh38, chr12:132,624,760, plus strand): 5'-ATGGCCCAGCTGTGGGTTCTTCTGCAGCAGCCACTCCAGGGTCTCCAGGAGGTACGACAT[GCC>ACT]GTAGTGCTGGGCAATGTTCCGGAATATTCCGATCTGTTCCATGAAGACCTGCAGGAATAA-3'
Protein context (NP_006222.2, residues 2256-2276): GIFRNIAQHY[Gly2266Ser]MSYLLETLEW

ClinVar aggregate classification (germline): Uncertain significance (1 of 4 stars; one submission).

Submission:

Labcorp Genetics (formerly Invitae), Labcorp
Classification: Uncertain significance. Last evaluated: 2024-03-19. Review status: criteria provided, single submitter. Criteria: Invitae Variant Classification Sherloc (09022015). Collection method: clinical testing. Allele origin: germline.
Comment: This sequence change replaces glycine, which is neutral and non-polar, with serine, which is neutral and polar, at codon 2266 of the POLE protein (p.Gly2266Ser). This variant is not present in population databases (gnomAD no frequency). This variant has not been reported in the literature in individuals affected with POLE-related conditions. Algorithms developed to predict the effect of missense changes on protein structure and function output the following: SIFT: "Not Available"; PolyPhen-2: "Not Available"; Align-GVGD: "Not Available". The serine amino acid residue is found in multiple mammalian species, which suggests that this missense change does not adversely affect protein function. Algorithms developed to predict the effect of sequence changes on RNA splicing suggest that this variant may create or strengthen a splice site. In summary, the available evidence is currently insufficient to determine the role of this variant in disease. Therefore, it has been classified as a Variant of Uncertain Significance.